The following is an entry in ClinVar:

NM_001365276.2(TNXB):c.10121C>T (p.Ser3374Leu)

Gene: TNXB (tenascin XB; minus strand). Cytogenetic location: 6p21.33.
Variant type: single nucleotide variant.
Coding change: c.10121C>T on transcript NM_001365276.2 (MANE Select); coding-DNA position 10121, C replaced by T.
Protein change: p.Ser3374Leu; replaces serine 3374 with leucine.
Molecular consequence: missense variant.
Genome position (GRCh38, 1-based): chr6:32,047,937, G>A on the plus strand (C>T on the coding strand, the complement: TNXB is on the minus strand). VCF-style: chr6-32047937-G-A. GRCh37 (hg19) VCF-style: chr6-32015714-G-A.
Other names: p.Ser3372Leu; c.10115C>T, p.Ser3372Leu (NM_019105.8); short protein forms S3372L, S3374L.
Identifiers: ClinVar variation 1729177 (VCV001729177.5), dbSNP rs780789365, ClinGen allele CA3733302.
Genomic context (GRCh38, chr6:32,047,937, plus strand): 5'-CCATCCTTATCCTTGTACTGGACCACGAAGGAGTCGAATTCGCCCTCAGGGACCGTCCAC[G>A]AGAGGCCCACGGAGTCAGGGGTCGCATCTGTCACAGTCAGCTCCCCCAGGCGGGGAGACG-3'
Protein context (NP_001352205.1, residues 3364-3384): TDATPDSVGL[Ser3374Leu]WTVPEGEFDS

ClinVar aggregate classification (germline): Uncertain significance. Review status: criteria provided, multiple submitters, no conflicts (2 of 4 stars). 3 submissions from 3 submitters: Uncertain significance (3). Last evaluated 2026-04-09.

Conditions:
Cardiovascular phenotype. Identifiers: MedGen CN230736.

Allele frequency attached by ClinVar (database versions not stated): ExAC 0.00003; gnomAD 0.00005; gnomAD exomes 0.00002; TOPMed 0.00003.
gnomAD v4.1: 41 of 1,612,412 alleles (0.0025%); highest among the groups gnomAD compares: South Asian, 0.0055%; no homozygotes.

Submissions (3):

GeneDx
Classification: Uncertain significance. Last evaluated: 2026-04-09. Review status: criteria provided, single submitter. Criteria: GeneDx Variant Classification Process June 2021. Collection method: clinical testing. Allele origin: germline.
Comment: In silico analysis supports that this missense variant has a deleterious effect on protein structure/function; Has not been previously published as pathogenic or benign to our knowledge

Ambry Genetics
Classification: Uncertain significance for Cardiovascular phenotype. Last evaluated: 2024-09-08. Review status: criteria provided, single submitter. Criteria: Ambry Variant Classification Scheme 2023. Collection method: clinical testing. Allele origin: germline.
Comment: The p.S3372L variant (also known as c.10115C>T), located in coding exon 29 of the TNXB gene, results from a C to T substitution at nucleotide position 10115. The serine at codon 3372 is replaced by leucine, an amino acid with dissimilar properties. This amino acid position is conserved. In addition, this alteration is predicted to be tolerated by in silico analysis. Since supporting evidence is limited at this time, the clinical significance of this alteration remains unclear.

Mayo Clinic Laboratories, Mayo Clinic
Classification: Uncertain significance. Last evaluated: 2023-08-07. Review status: criteria provided, single submitter. Criteria: ACMG Guidelines, 2015. Collection method: clinical testing. Allele origin: germline. Observed: 1 variant allele.